The following is an entry in ClinVar:

ClinVar aggregate classification (germline): Benign (1 of 4 stars; one submission).

Allele frequency attached by ClinVar (database versions not stated): gnomAD exomes 0.80655; gnomAD 0.80998; TOPMed 0.81401; 1000 Genomes Project 30x 0.85806; 1000 Genomes Project 0.86142.
gnomAD v4.1: 794,496 of 983,808 alleles (81%); highest among the groups gnomAD compares: East Asian, 100%; 321,257 homozygotes.

Submission:

GeneDx
Classification: Benign. Last evaluated: 2018-06-14. Review status: criteria provided, single submitter. Criteria: GeneDx Variant Classification (06012015). Collection method: clinical testing. Allele origin: germline. Affected: yes.
Comment: This variant is considered likely benign or benign based on one or more of the following criteria: it is a conservative change, it occurs at a poorly conserved position in the protein, it is predicted to be benign by multiple in silico algorithms, and/or has population frequency not consistent with disease.

NM_001018005.2(TPM1):c.852-243T>G

Gene: TPM1 (tropomyosin 1; plus strand). Cytogenetic location: 15q22.2.
Variant type: single nucleotide variant.
Coding change: c.852-243T>G on transcript NM_001018005.2 (MANE Select); 243 bases into the intron before coding-DNA position 852, T replaced by G.
Molecular consequence: intron variant. On other transcripts: 3 prime UTR variant (2).
Genome position (GRCh38, 1-based): chr15:63,065,653, T>G. VCF-style: chr15-63065653-T-G. GRCh37 (hg19) VCF-style: chr15-63357852-T-G.
Other names: c.*1507T>G (NM_001365781.2, NM_001365782.1); c.898+3008T>G (NM_001365778.1); c.772+3008T>G (NM_001018020.2, NM_001018007.2, NM_001018006.2 and 2 more transcripts); c.852-243T>G (NM_001301244.2); c.45-243T>G (NM_000366.6, NM_001365779.1); c.773-243T>G (NM_001365777.1); c.664+3008T>G (NM_001330351.2, NM_001330344.2, NM_001018008.2 and 1 more transcripts); c.744-243T>G (NM_001330346.2); and 1 more.
Identifiers: ClinVar variation 678158 (VCV000678158.1), dbSNP rs28583444, ClinGen allele CA14178556.